The following is an entry in ClinVar:

ClinVar aggregate classification (germline): Benign. Review status: criteria provided, multiple submitters, no conflicts (2 of 4 stars). 5 submissions from 5 submitters: Benign (4). 1 of the submissions does not count toward it. Last evaluated 2026-02-03.

Conditions:
Bohring-Opitz syndrome. Also called: OPITZ TRIGONOCEPHALY-LIKE SYNDROME; ASXL1-Related Bohring-Opitz Syndrome; C-LIKE SYNDROME; BOHRING SYNDROME. Identifiers: Orphanet 97297, MedGen C0796232, MONDO:0011510, OMIM 605039.

Allele frequency attached by ClinVar (database versions not stated): gnomAD 0.02141; 1000 Genomes Project 30x 0.02139; TOPMed 0.02300; ESP Exome Variant Server 0.02337; 1000 Genomes Project 0.01957.
gnomAD v4.1: 6,121 of 1,614,054 alleles (0.38%); highest among the groups gnomAD compares: African/African-American, 7.3%; 201 homozygotes.

Submissions (5):

Labcorp Genetics (formerly Invitae), Labcorp
Classification: Benign. Last evaluated: 2026-02-03. Review status: criteria provided, single submitter. Criteria: Invitae Variant Classification Sherloc (09022015). Collection method: clinical testing. Allele origin: germline.

Genome-Nilou Lab
Classification: Benign for Bohring-Opitz syndrome. Last evaluated: 2021-12-05. Review status: criteria provided, single submitter. Criteria: ACMG Guidelines, 2015. Collection method: clinical testing. Allele origin: germline. Affected: no.

GeneDx
Classification: Benign. Last evaluated: 2018-09-26. Review status: criteria provided, single submitter. Criteria: GeneDx Variant Classification Process June 2021. Collection method: clinical testing. Allele origin: germline. Affected: yes.

Breakthrough Genomics
Classification: Benign. Review status: criteria provided, single submitter. Criteria: ACMG Guidelines, 2015. Collection method: not provided. Allele origin: germline. Inheritance: Autosomal dominant inheritance. Affected: yes.

ITMI
No classification provided. Condition: AllHighlyPenetrant. Last evaluated: 2013-09-19. Review status: no classification provided. Collection method: reference population. Allele origin: germline. Not counted in ClinVar's aggregate classification.
Comment: Please see associated publication for description of ethnicities

Literature cited by the submitters: PubMed 24728327 (cited by ITMI).

NM_015338.6(ASXL1):c.2251G>A (p.Val751Ile)

Gene: ASXL1 (ASXL transcriptional regulator 1; plus strand). Cytogenetic location: 20q11.21.
Variant type: single nucleotide variant.
Coding change: c.2251G>A on transcript NM_015338.6 (MANE Select); coding-DNA position 2251, G replaced by A.
Protein change: p.Val751Ile; replaces valine 751 with isoleucine.
Molecular consequence: missense variant.
Genome position (GRCh38, 1-based): chr20:32,434,963, G>A. VCF-style: chr20-32434963-G-A. GRCh37 (hg19) VCF-style: chr20-31022766-G-A.
Other names: c.2068G>A, p.Val690Ile (NM_001363734.1); short protein forms V751I, V690I.
Identifiers: ClinVar variation 133593 (VCV000133593.15), dbSNP rs6058693, ClinGen allele CA157032.